The following is an entry in ClinVar:

NM_003924.4(PHOX2B):c.791C>A (p.Ala264Asp)

Gene: PHOX2B (paired like homeobox 2B; minus strand). Cytogenetic location: 4p13.
Variant type: single nucleotide variant.
Coding change: c.791C>A on transcript NM_003924.4 (MANE Select); coding-DNA position 791, C replaced by A.
Protein change: p.Ala264Asp; replaces alanine 264 with aspartic acid.
Molecular consequence: missense variant.
Genome position (GRCh38, 1-based): chr4:41,745,961, G>T on the plus strand (C>A on the coding strand, the complement: PHOX2B is on the minus strand). VCF-style: chr4-41745961-G-T. GRCh37 (hg19) VCF-style: chr4-41747978-G-T.
Other names: short protein forms A264D.
Identifiers: ClinVar variation 1761211 (VCV001761211.2), dbSNP rs779924196, ClinGen allele CA356737131.

ClinVar aggregate classification (germline): Uncertain significance (1 of 4 stars; one submission).

Conditions:
Hereditary cancer-predisposing syndrome. Also called: Neoplastic Syndromes, Hereditary; Tumor predisposition; Hereditary Cancer Syndrome; Hereditary neoplastic syndrome. Identifiers: Orphanet 140162, MedGen C0027672, MeSH D009386, MONDO:0015356.

Submission:

Ambry Genetics
Classification: Uncertain significance for Hereditary cancer-predisposing syndrome. Last evaluated: 2022-04-05. Review status: criteria provided, single submitter. Criteria: Ambry Variant Classification Scheme 2023. Collection method: clinical testing. Allele origin: germline.
Comment: The p.A264D variant (also known as c.791C>A), located in coding exon 3 of the PHOX2B gene, results from a C to A substitution at nucleotide position 791. The alanine at codon 264 is replaced by aspartic acid, an amino acid with dissimilar properties. This amino acid position is conserved. In addition, the in silico prediction for this alteration is inconclusive. Since supporting evidence is limited at this time, the clinical significance of this alteration remains unclear.